The following is an entry in ClinVar:

ClinVar aggregate classification (germline): Benign (1 of 4 stars; one submission).

Submission:

Unidad de Genómica Garrahan, Hospital de Pediatría Garrahan
Classification: Benign. Last evaluated: 2024-01-24. Review status: criteria provided, single submitter. Criteria: ACMG Guidelines, 2015. Collection method: clinical testing. Allele origin: germline. Affected: no. Observed: 23 variant alleles.
Comment: This variant is classified as Benign based on local population frequency. This variant was detected in 24% of patients studied by a panel of primary immunodeficiencies. Number of patients: 23. Only high quality variants are reported.

NM_014339.7(IL17RA):c.943+122_943+123insT

Gene: IL17RA (interleukin 17 receptor A; plus strand). Cytogenetic location: 22q11.1.
Variant type: Insertion.
Coding change: c.943+122_943+123insT on transcript NM_014339.7 (MANE Select); bases 122 to 123 of the intron after coding-DNA position 943, T inserted.
Molecular consequence: intron variant.
Genome position: GRCh38 VCF-style: chr22-17105724-G-GT. GRCh37 (hg19) VCF-style: chr22-17586614-G-GT.
Other names: c.943+122_943+123insT (NM_001289905.2).
Identifiers: ClinVar variation 2688306 (VCV002688306.2), dbSNP rs200937197, ClinGen allele CA321151264.